The following is an entry in ClinVar:

ClinVar aggregate classification (germline): Uncertain significance (1 of 4 stars; one submission).

Allele frequency attached by ClinVar (database versions not stated): gnomAD exomes below 0.00001.
gnomAD v4.1: 1 of 1,590,496 alleles (0.000063%); highest among the groups gnomAD compares: Non-Finnish European, 0.000086%; no homozygotes.

Submission:

Labcorp Genetics (formerly Invitae), Labcorp
Classification: Uncertain significance. Last evaluated: 2023-08-05. Review status: criteria provided, single submitter. Criteria: Invitae Variant Classification Sherloc (09022015). Collection method: clinical testing. Allele origin: germline.
Comment: An algorithm developed to predict the effect of missense changes on protein structure and function (PolyPhen-2) suggests that this variant is likely to be tolerated. This variant has not been reported in the literature in individuals affected with BCL11B-related conditions. This variant is not present in population databases (gnomAD no frequency). This sequence change replaces isoleucine, which is neutral and non-polar, with threonine, which is neutral and polar, at codon 38 of the BCL11B protein (p.Ile38Thr). In summary, the available evidence is currently insufficient to determine the role of this variant in disease. Therefore, it has been classified as a Variant of Uncertain Significance.

NM_138576.4(BCL11B):c.113T>C (p.Ile38Thr)

Gene: BCL11B (BCL11 transcription factor B; minus strand). Cytogenetic location: 14q32.2.
Variant type: single nucleotide variant.
Coding change: c.113T>C on transcript NM_138576.4 (MANE Select); coding-DNA position 113, T replaced by C.
Protein change: p.Ile38Thr; replaces isoleucine 38 with threonine.
Molecular consequence: missense variant.
Genome position (GRCh38, 1-based): chr14:99,257,785, A>G on the plus strand (T>C on the coding strand, the complement: BCL11B is on the minus strand). VCF-style: chr14-99257785-A-G. GRCh37 (hg19) VCF-style: chr14-99724122-A-G.
Other names: c.110T>C, p.Ile37Thr (NM_001282237.2, NM_001282238.2); c.113T>C, p.Ile38Thr (NM_022898.3); short protein forms I37T, I38T.
Identifiers: ClinVar variation 2997564 (VCV002997564.3), dbSNP rs1236548020, ClinGen allele CA390939788.